The following is an entry in ClinVar:

ClinVar aggregate classification (germline): Benign/Likely benign. Review status: criteria provided, multiple submitters, no conflicts (2 of 4 stars). 5 submissions from 5 submitters: Benign (2); Likely benign (3). Last evaluated 2026-01-24.

Conditions:
Larsen-like syndrome, B3GAT3 type. Also called: MULTIPLE JOINT DISLOCATIONS, SHORT STATURE, AND CRANIOFACIAL DYSMORPHISM WITH OR WITHOUT CONGENITAL HEART DEFECTS; Multiple joint dislocations, short stature, craniofacial dysmorphism, with or without congenital heart defects. Identifiers: Orphanet 284139, MedGen CN034159, MONDO:0009511, OMIM 245600.

Allele frequency attached by ClinVar (database versions not stated): gnomAD 0.00056 and 0.00094; gnomAD exomes 0.00078 and 0.00167; TOPMed 0.00099; ExAC 0.00201; 1000 Genomes Project 30x 0.00406; 1000 Genomes Project 0.00499.

Submissions (5):

Labcorp Genetics (formerly Invitae), Labcorp
Classification: Benign for Larsen-like syndrome, B3GAT3 type. Last evaluated: 2026-01-24. Review status: criteria provided, single submitter. Criteria: Invitae Variant Classification Sherloc (09022015). Collection method: clinical testing. Allele origin: germline.

Blueprint Genetics
Classification: Likely benign. Last evaluated: 2024-11-08. Review status: criteria provided, single submitter. Criteria: ACMG Guidelines, 2015. Collection method: clinical testing. Allele origin: germline.

Mayo Clinic Laboratories, Mayo Clinic
Classification: Benign. Last evaluated: 2024-08-20. Review status: criteria provided, single submitter. Criteria: ACMG Guidelines, 2015. Collection method: clinical testing. Allele origin: germline. Observed: 4 variant alleles.
Comment: BS1, BS2, BP4, BP7

GeneDx
Classification: Likely benign. Last evaluated: 2020-12-10. Review status: criteria provided, single submitter. Criteria: GeneDx Variant Classification Process June 2021. Collection method: clinical testing. Allele origin: germline. Affected: yes.

Breakthrough Genomics
Classification: Likely benign. Review status: criteria provided, single submitter. Criteria: ACMG Guidelines, 2015. Collection method: not provided. Allele origin: germline. Inheritance: Autosomal recessive inheritance. Affected: yes.

NM_012200.4(B3GAT3):c.108C>T (p.Pro36=)

Gene: B3GAT3 (beta-1,3-glucuronyltransferase 3; minus strand). Cytogenetic location: 11q12.3.
Variant type: single nucleotide variant.
Coding change: c.108C>T on transcript NM_012200.4 (MANE Select); coding-DNA position 108, C replaced by T.
Protein change: p.Pro36=; no amino-acid change (proline 36 retained).
Molecular consequence: synonymous variant. On other transcripts: non-coding transcript variant (1).
Genome position (GRCh38, 1-based): chr11:62,620,646, G>A on the plus strand (C>T on the coding strand, the complement: B3GAT3 is on the minus strand). VCF-style: chr11-62620646-G-A. GRCh37 (hg19) VCF-style: chr11-62388118-G-A.
Other names: p.Pro36=; c.87C>T, p.Pro29= (NM_001288721.2); c.108C>T, p.Pro36= (NM_001288722.2, NM_001288723.2).
Identifiers: ClinVar variation 544154 (VCV000544154.17), dbSNP rs75316688, ClinGen allele CA6050211.